The following is an entry in ClinVar:

NM_001042492.3(NF1):c.7190-33TTGT[5]

Gene: NF1 (neurofibromin 1; plus strand). Cytogenetic location: 17q11.2.
Variant type: Microsatellite.
Coding change: c.7190-33TTGT[5] on transcript NM_001042492.3 (MANE Select); five copies in a row of the 4-base unit TTGT starting at c.7190-33.
Molecular consequence: intron variant.
Genome position: GRCh38 VCF-style: chr17-31349086-CTTGT-C. GRCh37 (hg19) VCF-style: chr17-29676104-CTTGT-C.
Other names: c.7127-11_7127-8delGTTT (NM_000267.3); c.7127-25_7127-22delTTGT (NM_000267.3); c.7127-33TTGT[5] (NM_000267.4); c.7127-11_7127-8del (NM_000267.3); c.7190-11_7190-8delGTTT (NM_001042492.2).
Identifiers: ClinVar variation 226852 (VCV000226852.19), dbSNP rs149197458, ClinGen allele CA8487518.

ClinVar aggregate classification (germline): Benign/Likely benign. Review status: criteria provided, multiple submitters, no conflicts (2 of 4 stars). 9 submissions from 9 submitters: Benign (8); Likely benign (1). Last evaluated 2025-03-20.

Conditions:
Cardiovascular phenotype. Identifiers: MedGen CN230736.
Hereditary cancer-predisposing syndrome. Also called: Hereditary Cancer Syndrome; Tumor predisposition; Neoplastic Syndromes, Hereditary; Hereditary neoplastic syndrome. Identifiers: Orphanet 140162, MedGen C0027672, MeSH D009386, MONDO:0015356.

Submissions (9):

Quest Diagnostics Nichols Institute San Juan Capistrano
Classification: Benign. Last evaluated: 2025-03-20. Review status: criteria provided, single submitter. Criteria: Quest Diagnostics criteria. Collection method: clinical testing. Allele origin: unknown.

Blueprint Genetics
Classification: Benign. Last evaluated: 2024-11-26. Review status: criteria provided, single submitter. Criteria: ACMG Guidelines, 2015. Collection method: clinical testing. Allele origin: germline.

Sema4
Classification: Benign for Hereditary cancer-predisposing syndrome. Last evaluated: 2021-06-12. Review status: criteria provided, single submitter. Criteria: Sema4 Curation Guidelines. Collection method: curation. Allele origin: germline.

GeneDx
Classification: Benign. Last evaluated: 2019-08-19. Review status: criteria provided, single submitter. Criteria: GeneDx Variant Classification Process June 2021. Collection method: clinical testing. Allele origin: germline. Affected: yes.

ARUP Laboratories, Molecular Genetics and Genomics, ARUP Laboratories
Classification: Benign. Last evaluated: 2018-10-26. Review status: criteria provided, single submitter. Criteria: ARUP Molecular Germline Variant Investigation Process. Collection method: clinical testing. Allele origin: germline.

Women's Health and Genetics/Laboratory Corporation of America, LabCorp
Classification: Benign. Last evaluated: 2017-06-16. Review status: criteria provided, single submitter. Criteria: LabCorp Variant Classification Summary - May 2015. Collection method: clinical testing. Allele origin: germline.
Comment: Variant summary: The NF1 c.7127-11_7127-8delGTTT variant involves the deletion of four intronic nucleotides in a six (GTTT) repeat region. One in silico tool predicts a damaging outcome for this variant. 5/5 splice prediction tools predict no significant impact on normal splicing. This variant, listed as 17:29676104 CTTGT / Cin the ExAC control database, was found in 444/23188 control chromosomes (19 homozygotes), predominantly observed in the African subpopulation at a frequency of 0.104698 (312/2980). This frequency is about 502 times the estimated maximal expected allele frequency of a pathogenic NF1 variant (0.0002084), suggesting this is likely a benign polymorphism found primarily in the populations of African origin. In addition, multiple clinical diagnostic laboratories/reputable databases classified this variant as benign. The variant of interest has not, to our knowledge, been reported in affected individuals via publications and/or reputable databases/clinical diagnostic laboratories; nor evaluated for functional impact by in vivo/vitro studies. Taken together, the variant is classified as benign.

Laboratory for Molecular Medicine, Mass General Brigham Personalized Medicine
Classification: Benign. Last evaluated: 2015-04-02. Review status: criteria provided, single submitter. Criteria: LMM Criteria. Collection method: clinical testing. Allele origin: germline. Observed: 2 variant alleles.
Comment: c.7190-11_7190-8delGTTT (HGVS nomenclature: c.7190-31_7190-28[5]) in intron 48 o f NF1: This variant is not expected to have clinical significance because it has been identified in 10.6% (312/2980) of African chromosomes by the Exome Aggrega tion Consortium (ExAC; rs149197458). This varian t is not predicted to impact splicing.

Ambry Genetics
Classification: Likely benign for Cardiovascular phenotype; Hereditary cancer-predisposing syndrome. Last evaluated: 2014-07-08. Review status: criteria provided, single submitter. Criteria: Ambry Variant Classification Scheme 2023. Collection method: clinical testing. Allele origin: germline.

PreventionGenetics, part of Exact Sciences
Classification: Benign. Review status: criteria provided, single submitter. Criteria: ACMG Guidelines, 2015. Collection method: clinical testing. Allele origin: germline.